The following is an entry in ClinVar:

NM_004456.5(EZH2):c.535G>A (p.Gly179Ser)

Gene: EZH2 (enhancer of zeste 2 polycomb repressive complex 2 subunit; minus strand). Cytogenetic location: 7q36.1.
Variant type: single nucleotide variant.
Coding change: c.535G>A on transcript NM_004456.5 (MANE Select); coding-DNA position 535, G replaced by A.
Protein change: p.Gly179Ser; replaces glycine 179 with serine.
Molecular consequence: missense variant.
Genome position (GRCh38, 1-based): chr7:148,828,830, C>T on the plus strand (G>A on the coding strand, the complement: EZH2 is on the minus strand). VCF-style: chr7-148828830-C-T. GRCh37 (hg19) VCF-style: chr7-148525922-C-T.
Other names: c.535G>A, p.Gly179Ser (NM_001203247.2); c.508G>A, p.Gly170Ser (NM_001203248.2, NM_001203249.2); c.418G>A, p.Gly140Ser (NM_152998.3); short protein forms G179S, G170S, G140S.
Identifiers: ClinVar variation 2915912 (VCV002915912.3), dbSNP rs1808496051, ClinGen allele CA369720565.

ClinVar aggregate classification (germline): Uncertain significance (1 of 4 stars; one submission).

Conditions:
Weaver syndrome (WVS). Also called: Weaver Smith syndrome; Overgrowth syndrome with accelerated skeletal maturation, unusual facies, and camptodactyly. Identifiers: Orphanet 3447, MedGen C0265210, MONDO:0010193, OMIM 277590.

Submission:

Labcorp Genetics (formerly Invitae), Labcorp
Classification: Uncertain significance for Weaver syndrome. Last evaluated: 2023-08-17. Review status: criteria provided, single submitter. Criteria: Invitae Variant Classification Sherloc (09022015). Collection method: clinical testing. Allele origin: germline.
Comment: This variant has not been reported in the literature in individuals affected with EZH2-related conditions. This variant is not present in population databases (gnomAD no frequency). This sequence change replaces glycine, which is neutral and non-polar, with serine, which is neutral and polar, at codon 179 of the EZH2 protein (p.Gly179Ser). Advanced modeling of protein sequence and biophysical properties (such as structural, functional, and spatial information, amino acid conservation, physicochemical variation, residue mobility, and thermodynamic stability) performed at Invitae indicates that this missense variant is not expected to disrupt EZH2 protein function. In summary, the available evidence is currently insufficient to determine the role of this variant in disease. Therefore, it has been classified as a Variant of Uncertain Significance.